The following is an entry in ClinVar:

NM_030973.4(MED25):c.58T>A (p.Phe20Ile)

Gene: MED25 (mediator complex subunit 25; plus strand). Cytogenetic location: 19q13.33.
Variant type: single nucleotide variant.
Coding change: c.58T>A on transcript NM_030973.4 (MANE Select); coding-DNA position 58, T replaced by A.
Protein change: p.Phe20Ile; replaces phenylalanine 20 with isoleucine.
Molecular consequence: missense variant.
Genome position (GRCh38, 1-based): chr19:49,818,399, T>A. VCF-style: chr19-49818399-T-A. GRCh37 (hg19) VCF-style: chr19-50321656-T-A.
Other names: c.58T>A, p.Phe20Ile (NM_001378355.1); short protein forms F20I.
Identifiers: ClinVar variation 1905701 (VCV001905701.5), dbSNP rs2514495522, ClinGen allele CA406908462.

ClinVar aggregate classification (germline): Uncertain significance (1 of 4 stars; one submission).

Conditions:
Charcot-Marie-Tooth disease type 2. Also called: Charcot-Marie-Tooth type 2. Identifiers: Orphanet 64746, MedGen C0270914, MONDO:0018993.

Submission:

Labcorp Genetics (formerly Invitae), Labcorp
Classification: Uncertain significance for Charcot-Marie-Tooth disease type 2. Last evaluated: 2022-03-13. Review status: criteria provided, single submitter. Criteria: Invitae Variant Classification Sherloc (09022015). Collection method: clinical testing. Allele origin: germline.
Comment: This sequence change replaces phenylalanine, which is neutral and non-polar, with isoleucine, which is neutral and non-polar, at codon 20 of the MED25 protein (p.Phe20Ile). In summary, the available evidence is currently insufficient to determine the role of this variant in disease. Therefore, it has been classified as a Variant of Uncertain Significance. This variant is not present in population databases (gnomAD no frequency). This variant has not been reported in the literature in individuals affected with MED25-related conditions. Algorithms developed to predict the effect of missense changes on protein structure and function are either unavailable or do not agree on the potential impact of this missense change (SIFT: "Deleterious"; PolyPhen-2: "Probably Damaging"; Align-GVGD: "Class C0").